The following is an entry in ClinVar:

ClinVar aggregate classification (germline): Likely benign. Review status: criteria provided, multiple submitters, no conflicts (2 of 4 stars). 2 submissions from 2 submitters: Likely benign (2). Last evaluated 2025-10-08.

Submissions (2):

Mayo Clinic Laboratories, Mayo Clinic
Classification: Likely benign. Last evaluated: 2025-10-08. Review status: criteria provided, single submitter. Criteria: ACMG Guidelines, 2015. Collection method: clinical testing. Allele origin: germline. Observed: 8 variant alleles.
Comment: BS1, BP4, BP7

Blueprint Genetics
Classification: Likely benign. Last evaluated: 2024-10-02. Review status: criteria provided, single submitter. Criteria: ACMG Guidelines, 2015. Collection method: clinical testing. Allele origin: germline.

NM_001365276.2(TNXB):c.11835C>T (p.Thr3945=)

Genes: TNXB (tenascin XB; minus strand), LOC106780803 (tenascin XB recombination region; plus strand). Cytogenetic location: 6p21.33.
Variant type: single nucleotide variant.
Coding change: c.11835C>T on transcript NM_001365276.2 (MANE Select); coding-DNA position 11835, C replaced by T.
Protein change: p.Thr3945=; no amino-acid change (threonine 3945 retained).
Molecular consequence: synonymous variant.
Genome position (GRCh38, 1-based): chr6:32,043,041, G>A on the plus strand (C>T on the coding strand, the complement: TNXB is on the minus strand). VCF-style: chr6-32043041-G-A. GRCh37 (hg19) VCF-style: chr6-32010818-G-A.
Other names: p.Thr3943=; c.12576C>T, p.Thr4192= (NM_001428335.1); c.11829C>T, p.Thr3943= (NM_019105.8); c.1122C>T, p.Thr374= (NM_032470.4).
Identifiers: ClinVar variation 4684937 (VCV004684937.2).